The following is an entry in ClinVar:

ClinVar aggregate classification (germline): Uncertain significance (1 of 4 stars; one submission).

Submission:

Ambry Genetics
Classification: Uncertain significance. Last evaluated: 2026-01-16. Review status: criteria provided, single submitter. Criteria: Ambry Variant Classification Scheme 2023. Collection method: clinical testing. Allele origin: germline.
Comment: The p.L202F variant (also known as c.604C>T), located in coding exon 1 of the MC1R gene, results from a C to T substitution at nucleotide position 604. The leucine at codon 202 is replaced by phenylalanine, an amino acid with highly similar properties. This amino acid position is conserved. In addition, this alteration is predicted to be tolerated by in silico analysis. Based on the available evidence, the clinical significance of this variant remains unclear.

NM_002386.4(MC1R):c.604C>T (p.Leu202Phe)

Gene: MC1R (melanocortin 1 receptor; plus strand). Cytogenetic location: 16q24.3.
Variant type: single nucleotide variant.
Coding change: c.604C>T on transcript NM_002386.4 (MANE Select); coding-DNA position 604, C replaced by T.
Protein change: p.Leu202Phe; replaces leucine 202 with phenylalanine.
Molecular consequence: missense variant.
Genome position (GRCh38, 1-based): chr16:89,919,862, C>T. VCF-style: chr16-89919862-C-T. GRCh37 (hg19) VCF-style: chr16-89986270-C-T.
Other names: short protein forms L202F.
Identifiers: ClinVar variation 4824147 (VCV004824147.1).